The following is an entry in ClinVar:

ClinVar aggregate classification (germline): Uncertain significance (1 of 4 stars; one submission).

Conditions:
Cardiovascular phenotype. Identifiers: MedGen CN230736.

Allele frequency attached by ClinVar (database versions not stated): gnomAD exomes below 0.00001; TOPMed 0.00001.
gnomAD v4.1: 4 of 1,613,772 alleles (0.00025%); highest among the groups gnomAD compares: Non-Finnish European, 0.00034%; no homozygotes.

Submission:

Ambry Genetics
Classification: Uncertain significance for Cardiovascular phenotype. Last evaluated: 2023-09-14. Review status: criteria provided, single submitter. Criteria: Ambry Variant Classification Scheme 2023. Collection method: clinical testing. Allele origin: germline.
Comment: The c.1238-1G>T intronic variant results from a G to T substitution one nucleotide before coding exon 7 of the SNTA1 gene. This nucleotide position is highly conserved in available vertebrate species. In silico splice site analysis predicts that this alteration will weaken the native splice acceptor site and will result in the creation or strengthening of a novel splice acceptor site. Alterations that disrupt the canonical splice site are expected to cause aberrant splicing, resulting in an abnormal protein or a transcript that is subject to nonsense-mediated mRNA decay. However, loss of function of SNTA1 has not been established as a mechanism of disease. The evidence for this gene-disease relationship is limited; therefore, the clinical significance of this alteration is unclear.

NM_003098.3(SNTA1):c.1238-1G>T

Gene: SNTA1 (syntrophin alpha 1; minus strand). Cytogenetic location: 20q11.21.
Variant type: single nucleotide variant.
Coding change: c.1238-1G>T on transcript NM_003098.3 (MANE Select); the canonical splice acceptor site of the intron before coding-DNA position 1238, G replaced by T.
Molecular consequence: splice acceptor variant.
Genome position (GRCh38, 1-based): chr20:33,408,889, C>A on the plus strand (G>T on the coding strand, the complement: SNTA1 is on the minus strand). VCF-style: chr20-33408889-C-A. GRCh37 (hg19) VCF-style: chr20-31996695-C-A.
Other names: c.1238-1G>T (NM_001424413.1); c.1270-1G>T (NM_001424414.1).
Identifiers: ClinVar variation 2625064 (VCV002625064.2), dbSNP rs1416106180, ClinGen allele CA408630461.
Genomic context (GRCh38, chr20:33,408,889, plus strand): 5'-GTGTGAAGCCCTTGTCGATGTGCACAGACAGGCTGCAGGGACGCCCATTCCACGTGCAGG[C>A]TGCAGGGAGGGCACATAGGTACAGGCACAGCTGGCACCTCAGAGACTACACCCCAACCTC-3'